The following is an entry in ClinVar:

NM_001112741.2(KCNC1):c.1544C>T (p.Ala515Val)

Gene: KCNC1 (potassium voltage-gated channel subfamily C member 1; plus strand). Cytogenetic location: 11p15.1.
Variant type: single nucleotide variant.
Coding change: c.1544C>T on transcript NM_001112741.2 (MANE Select); coding-DNA position 1544, C replaced by T.
Protein change: p.Ala515Val; replaces alanine 515 with valine.
Molecular consequence: missense variant.
Genome position (GRCh38, 1-based): chr11:17,779,495, C>T. VCF-style: chr11-17779495-C-T. GRCh37 (hg19) VCF-style: chr11-17801042-C-T.
Other names: short protein forms A515V.
Identifiers: ClinVar variation 1040070 (VCV001040070.8), dbSNP rs917512311, ClinGen allele CA379814101.

ClinVar aggregate classification (germline): Uncertain significance (1 of 4 stars; one submission).

Conditions:
Progressive myoclonic epilepsy type 7. Identifiers: Orphanet 435438, MedGen C4015420, MONDO:0014521, OMIM 616187.

gnomAD v4.1: 33 of 1,550,074 alleles (0.0021%); highest among the groups gnomAD compares: Admixed American, 0.0079%; no homozygotes.

Submission:

Labcorp Genetics (formerly Invitae), Labcorp
Classification: Uncertain significance for Progressive myoclonic epilepsy type 7. Last evaluated: 2025-05-26. Review status: criteria provided, single submitter. Criteria: Invitae Variant Classification Sherloc (09022015). Collection method: clinical testing. Allele origin: germline.
Comment: This sequence change replaces alanine, which is neutral and non-polar, with valine, which is neutral and non-polar, at codon 515 of the KCNC1 protein (p.Ala515Val). This variant is present in population databases (no rsID available, gnomAD 0.02%). This variant has not been reported in the literature in individuals affected with KCNC1-related conditions. ClinVar contains an entry for this variant (Variation ID: 1040070). Invitae Evidence Modeling of protein sequence and biophysical properties (such as structural, functional, and spatial information, amino acid conservation, physicochemical variation, residue mobility, and thermodynamic stability) indicates that this missense variant is expected to disrupt KCNC1 protein function with a positive predictive value of 95%. In summary, the available evidence is currently insufficient to determine the role of this variant in disease. Therefore, it has been classified as a Variant of Uncertain Significance.